The following is an entry in ClinVar:

NM_001165963.4(SCN1A):c.5176T>G (p.Trp1726Gly)

Genes: SCN1A (sodium voltage-gated channel alpha subunit 1; minus strand), LOC102724058 (uncharacterized LOC102724058; plus strand). Cytogenetic location: 2q24.3.
Variant type: single nucleotide variant.
Coding change: c.5176T>G on transcript NM_001165963.4 (MANE Select); coding-DNA position 5176, T replaced by G.
Protein change: p.Trp1726Gly; replaces tryptophan 1726 with glycine.
Molecular consequence: missense variant. On other transcripts: non-coding transcript variant (1).
Genome position (GRCh38, 1-based): chr2:165,992,099, A>C on the plus strand (T>G on the coding strand, the complement: SCN1A is on the minus strand). VCF-style: chr2-165992099-A-C. GRCh37 (hg19) VCF-style: chr2-166848609-A-C.
Other names: c.5143T>G, p.Trp1715Gly (NM_006920.6, NM_001353949.2, NM_001353950.2 and 2 more transcripts); c.5092T>G, p.Trp1698Gly (NM_001165964.3, NM_001353957.2, NM_001353958.2); c.5176T>G, p.Trp1726Gly (NM_001202435.3, NM_001353948.2); c.5140T>G, p.Trp1714Gly (NM_001353954.2, NM_001353955.2); c.5089T>G, p.Trp1697Gly (NM_001353960.2); c.2734T>G, p.Trp912Gly (NM_001353961.2); short protein forms W1715G, W1726G, W1697G, W1714G, W1698G, W912G.
Identifiers: ClinVar variation 938895 (VCV000938895.10), dbSNP rs121917979, ClinGen allele CA349068774.

ClinVar aggregate classification (germline): Uncertain significance (1 of 4 stars; one submission).

Conditions:
Early-infantile DEE. Also called: Early infantile epileptic encephalopathy; Ohtahara syndrome; Early infantile epileptic encephalopathy with suppression bursts. Identifiers: Orphanet 1934, MedGen C0393706, MONDO:0800491.

Submission:

Labcorp Genetics (formerly Invitae), Labcorp
Classification: Uncertain significance for Early-infantile DEE. Last evaluated: 2019-07-09. Review status: criteria provided, single submitter. Criteria: Invitae Variant Classification Sherloc (09022015). Collection method: clinical testing. Allele origin: germline.
Comment: In summary, the available evidence is currently insufficient to determine the role of this variant in disease. Therefore, it has been classified as a Variant of Uncertain Significance. Algorithms developed to predict the effect of missense changes on protein structure and function (SIFT, PolyPhen-2, Align-GVGD) all suggest that this variant is likely to be disruptive, but these predictions have not been confirmed by published functional studies and their clinical significance is uncertain. This variant has not been reported in the literature in individuals with SCN1A-related conditions. This variant is not present in population databases (ExAC no frequency). This sequence change replaces tryptophan with glycine at codon 1726 of the SCN1A protein (p.Trp1726Gly). The tryptophan residue is highly conserved and there is a large physicochemical difference between tryptophan and glycine.